The following is an entry in ClinVar:

NM_014249.4(NR2E3):c.349+2T>C

Gene: NR2E3 (nuclear receptor subfamily 2 group E member 3; plus strand). Cytogenetic location: 15q23.
Variant type: single nucleotide variant.
Coding change: c.349+2T>C on transcript NM_014249.4 (MANE Select); the canonical splice donor site of the intron after coding-DNA position 349, T replaced by C.
Molecular consequence: splice donor variant.
Genome position (GRCh38, 1-based): chr15:71,811,871, T>C. VCF-style: chr15-71811871-T-C. GRCh37 (hg19) VCF-style: chr15-72104211-T-C.
Other names: c.349+2T>C (NM_016346.4).
Identifiers: ClinVar variation 3641732 (VCV003641732.2).

ClinVar aggregate classification (germline): Likely pathogenic (1 of 4 stars; one submission).

Submission:

Labcorp Genetics (formerly Invitae), Labcorp
Classification: Likely pathogenic. Last evaluated: 2024-04-30. Review status: criteria provided, single submitter. Criteria: Invitae Variant Classification Sherloc (09022015). Collection method: clinical testing. Allele origin: germline.
Comment: This sequence change affects a donor splice site in intron 3 of the NR2E3 gene. It is expected to disrupt RNA splicing. Variants that disrupt the donor or acceptor splice site typically lead to a loss of protein function (PMID: 16199547), and loss-of-function variants in NR2E3 are known to be pathogenic (PMID: 15459973, 27522502). This variant is not present in population databases (gnomAD no frequency). This variant has not been reported in the literature in individuals affected with NR2E3-related conditions. Algorithms developed to predict the effect of sequence changes on RNA splicing suggest that this variant may disrupt the consensus splice site. In summary, the currently available evidence indicates that the variant is pathogenic, but additional data are needed to prove that conclusively. Therefore, this variant has been classified as Likely Pathogenic.

Literature cited by the submitters: PubMed 16199547; PubMed 15459973; PubMed 27522502.